The following is an entry in ClinVar:

ClinVar aggregate classification (germline): Uncertain significance (1 of 4 stars; one submission).

gnomAD v4.1: 18 of 1,526,796 alleles (0.0012%); highest among the groups gnomAD compares: East Asian, 0.03%; no homozygotes.

Submission:

Labcorp Genetics (formerly Invitae), Labcorp
Classification: Uncertain significance. Last evaluated: 2024-11-06. Review status: criteria provided, single submitter. Criteria: Invitae Variant Classification Sherloc (09022015). Collection method: clinical testing. Allele origin: germline.
Comment: This sequence change replaces glycine, which is neutral and non-polar, with glutamic acid, which is acidic and polar, at codon 720 of the FOCAD protein (p.Gly720Glu). This variant is present in population databases (rs765608167, gnomAD 0.05%). This variant has not been reported in the literature in individuals affected with FOCAD-related conditions. An algorithm developed to predict the effect of missense changes on protein structure and function outputs the following: PolyPhen-2: "Not Available". The glutamic acid amino acid residue is found in multiple mammalian species, which suggests that this missense change does not adversely affect protein function. In summary, the available evidence is currently insufficient to determine the role of this variant in disease. Therefore, it has been classified as a Variant of Uncertain Significance.

NM_001375567.1(FOCAD):c.2159G>A (p.Gly720Glu)

Gene: FOCAD (focadhesin; plus strand). Cytogenetic location: 9p21.3.
Variant type: single nucleotide variant.
Coding change: c.2159G>A on transcript NM_001375567.1 (MANE Select); coding-DNA position 2159, G replaced by A.
Protein change: p.Gly720Glu; replaces glycine 720 with glutamic acid.
Molecular consequence: missense variant.
Genome position (GRCh38, 1-based): chr9:20,866,981, G>A. VCF-style: chr9-20866981-G-A. GRCh37 (hg19) VCF-style: chr9-20866980-G-A.
Other names: c.2054G>A, p.Gly685Glu (NM_001375568.1, NM_001375570.1); c.2159G>A, p.Gly720Glu (NM_017794.5); short protein forms G720E, G685E.
Identifiers: ClinVar variation 3630994 (VCV003630994.2).
Genomic context (GRCh38, chr9:20,866,981, plus strand): 5'-CTATCTAGGACCCAATTGTAGCAAATGCTGCATATAGATCCCTGGCCAACTTTAGTGCAG[G>A]AGAACACACCATTCTTCATCTGCCTGAAAAGGTAGGCATATCTGCTTTCTCACTGGTATT-3'
Protein context (NP_001362496.1, residues 710-730): AYRSLANFSA[Gly720Glu]EHTILHLPEK